The following is an entry in ClinVar:

ClinVar aggregate classification (germline): Uncertain significance (1 of 4 stars; one submission).

Conditions:
MHC class II deficiency. Also called: Bare lymphocyte syndrome 2; BLS, TYPE II. Identifiers: Orphanet 572, MedGen C5447452, MONDO:0008855.

Submission:

Labcorp Genetics (formerly Invitae), Labcorp
Classification: Uncertain significance for MHC class II deficiency. Last evaluated: 2022-03-01. Review status: criteria provided, single submitter. Criteria: Invitae Variant Classification Sherloc (09022015). Collection method: clinical testing. Allele origin: germline.
Comment: This sequence change replaces aspartic acid, which is acidic and polar, with valine, which is neutral and non-polar, at codon 108 of the CIITA protein (p.Asp108Val). This variant is not present in population databases (gnomAD no frequency). In summary, the available evidence is currently insufficient to determine the role of this variant in disease. Therefore, it has been classified as a Variant of Uncertain Significance. Algorithms developed to predict the effect of missense changes on protein structure and function are either unavailable or do not agree on the potential impact of this missense change (SIFT: "Deleterious"; PolyPhen-2: "Probably Damaging"; Align-GVGD: "Class C0"). This variant has not been reported in the literature in individuals affected with CIITA-related conditions.

NM_000246.4(CIITA):c.323A>T (p.Asp108Val)

Gene: CIITA (class II major histocompatibility complex transactivator; plus strand). Cytogenetic location: 16p13.13.
Variant type: single nucleotide variant.
Coding change: c.323A>T on transcript NM_000246.4 (MANE Select); coding-DNA position 323, A replaced by T.
Protein change: p.Asp108Val; replaces aspartic acid 108 with valine.
Molecular consequence: missense variant. On other transcripts: non-coding transcript variant (1).
Genome position (GRCh38, 1-based): chr16:10,898,697, A>T. VCF-style: chr16-10898697-A-T. GRCh37 (hg19) VCF-style: chr16-10992554-A-T.
Other names: c.323A>T, p.Asp108Val (NM_001286402.1, NM_001286403.2, NM_001379330.1 and 3 more transcripts); c.251A>T, p.Asp84Val (NM_001379334.1); short protein forms D84V, D108V.
Identifiers: ClinVar variation 2105295 (VCV002105295.2), dbSNP rs2544338463, ClinGen allele CA394727142.
Genomic context (GRCh38, chr16:10,898,697, plus strand): 5'-GTTGATTGACTGCGCTTTTCCTTGTCTGGGCAGCGGAACTGGACCAGTATGTCTTCCAGG[A>T]CTCCCAGCTGGAGGGCCTGAGCAAGGACATTTTCAGTAAGTTTGTGGTGGGTGGGGAGGT-3'
Protein context (NP_000237.2, residues 98-118): IAELDQYVFQ[Asp108Val]SQLEGLSKDI